The following is an entry in ClinVar:

ClinVar aggregate classification (germline): Pathogenic (1 of 4 stars; one submission).

Conditions:
Long QT syndrome (LQTS). Identifiers: MedGen C0023976, MeSH D008133, MONDO:0002442. Disease mechanism: loss of function. Inheritance: Various modes of inheritance.

Submission:

Labcorp Genetics (formerly Invitae), Labcorp
Classification: Pathogenic for Long QT syndrome. Last evaluated: 2025-08-11. Review status: criteria provided, single submitter. Criteria: Invitae Variant Classification Sherloc (09022015). Collection method: clinical testing. Allele origin: germline.
Comment: This sequence change creates a premature translational stop signal (p.Glu3525*) in the ANK2 gene. It is expected to result in an absent or disrupted protein product. Loss-of-function variants in ANK2 are known to be pathogenic (PMID: 37195288). This variant is not present in population databases (gnomAD no frequency). This variant has not been reported in the literature in individuals affected with ANK2-related conditions. Algorithms developed to predict the effect of sequence changes on RNA splicing suggest that this variant may disrupt the consensus splice site. For these reasons, this variant has been classified as Pathogenic.

Literature cited by the submitters: PubMed 37195288.

NM_001148.6(ANK2):c.10573G>T (p.Glu3525Ter)

Gene: ANK2 (ankyrin 2; plus strand). Cytogenetic location: 4q26.
Variant type: single nucleotide variant.
Coding change: c.10573G>T on transcript NM_001148.6 (MANE Select); coding-DNA position 10573, G replaced by T.
Protein change: p.Glu3525Ter; replaces glutamic acid 3525 with a stop codon.
Molecular consequence: nonsense. On other transcripts: intron variant (68).
Genome position (GRCh38, 1-based): chr4:113,359,191, G>T. VCF-style: chr4-113359191-G-T. GRCh37 (hg19) VCF-style: chr4-114280347-G-T.
Other names: c.10339G>T, p.Glu3447Ter (NM_001386142.1); c.6973G>T, p.Glu2325Ter (NM_001386166.1); c.10714G>T, p.Glu3572Ter (NM_001386174.1); c.10690G>T, p.Glu3564Ter (NM_001386175.1); c.4412-1632G>T (NM_001386186.2, NM_001386148.2); c.4214-1632G>T (NM_001354269.3); c.4292-1632G>T (NM_001386187.2); c.4253-1632G>T (NM_001386147.1); and 35 more; short protein forms E2325*, E3447*, E3572*, E3525*, E3564*.
Identifiers: ClinVar variation 4725226 (VCV004725226.1).